The following is an entry in ClinVar:

NM_003331.5(TYK2):c.2528C>T (p.Thr843Ile)

Gene: TYK2 (tyrosine kinase 2; minus strand). Cytogenetic location: 19p13.2.
Variant type: single nucleotide variant.
Coding change: c.2528C>T on transcript NM_003331.5 (MANE Select); coding-DNA position 2528, C replaced by T.
Protein change: p.Thr843Ile; replaces threonine 843 with isoleucine.
Molecular consequence: missense variant.
Genome position (GRCh38, 1-based): chr19:10,356,657, G>A on the plus strand (C>T on the coding strand, the complement: TYK2 is on the minus strand). VCF-style: chr19-10356657-G-A. GRCh37 (hg19) VCF-style: chr19-10467333-G-A.
Other names: c.2528C>T, p.Thr843Ile (NM_001385197.1, NM_001385198.1, NM_001385203.1); c.2342C>T, p.Thr781Ile (NM_001385199.1); c.2525C>T, p.Thr842Ile (NM_001385200.1); c.2330C>T, p.Thr777Ile (NM_001385201.1); c.2444C>T, p.Thr815Ile (NM_001385202.1); c.2738C>T, p.Thr913Ile (NM_001385204.1); c.2438C>T, p.Thr813Ile (NM_001385205.1); c.2402C>T, p.Thr801Ile (NM_001385206.1); and 1 more; short protein forms T842I, T815I, T913I, T777I, T781I, T801I, T813I, T837I.
Identifiers: ClinVar variation 1425283 (VCV001425283.5), dbSNP rs914166364, ClinGen allele CA305196703.
Genomic context (GRCh38, chr19:10,356,657, plus strand): 5'-AGGATGGTGCGGAATGATGGCCTCTGGGTTGGCTCATAGGTCAGACACTGGCTGGTGAGT[G>A]TGGCCAGCTGTGGGCAGGAGGGCTCGGGCAGCCGGTGCTGCCTCTGGTAGAAATGCTCCT-3'
Protein context (NP_003322.3, residues 833-853): LPEPSCPQLA[Thr843Ile]LTSQCLTYEP

ClinVar aggregate classification (germline): Uncertain significance (1 of 4 stars; one submission).

Conditions:
Immunodeficiency 35 (IMD35). Also called: TYK2 DEFICIENCY; Susceptibility to infection due to TYK2 deficiency; HIES WITH ATYPICAL MYCOBACTERIOSIS, AUTOSOMAL RECESSIVE; HYPER-IgE SYNDROME WITH ATYPICAL MYCOBACTERIOSIS, AUTOSOMAL RECESSIVE. Identifiers: Orphanet 331226, MedGen C1969086, MONDO:0012682, OMIM 611521.

Allele frequency attached by ClinVar (database versions not stated): gnomAD exomes below 0.00001; TOPMed below 0.00001; gnomAD 0.00001.
gnomAD v4.1: 3 of 1,612,800 alleles (0.00019%); highest among the groups gnomAD compares: Admixed American, 0.0017%; no homozygotes.

Submission:

Labcorp Genetics (formerly Invitae), Labcorp
Classification: Uncertain significance for Immunodeficiency 35. Last evaluated: 2022-07-19. Review status: criteria provided, single submitter. Criteria: Invitae Variant Classification Sherloc (09022015). Collection method: clinical testing. Allele origin: germline.
Comment: In summary, the available evidence is currently insufficient to determine the role of this variant in disease. Therefore, it has been classified as a Variant of Uncertain Significance. Algorithms developed to predict the effect of missense changes on protein structure and function output the following: SIFT: "Not Available"; PolyPhen-2: "Benign"; Align-GVGD: "Not Available". The isoleucine amino acid residue is found in multiple mammalian species, which suggests that this missense change does not adversely affect protein function. ClinVar contains an entry for this variant (Variation ID: 1425283). This variant has not been reported in the literature in individuals affected with TYK2-related conditions. This variant is not present in population databases (gnomAD no frequency). This sequence change replaces threonine, which is neutral and polar, with isoleucine, which is neutral and non-polar, at codon 843 of the TYK2 protein (p.Thr843Ile).